The following is an entry in ClinVar:

NM_005475.3(SH2B3):c.1112G>C (p.Arg371Thr)

Gene: SH2B3 (SH2B adaptor protein 3; plus strand). Cytogenetic location: 12q24.12.
Variant type: single nucleotide variant.
Coding change: c.1112G>C on transcript NM_005475.3 (MANE Select); coding-DNA position 1112, G replaced by C.
Protein change: p.Arg371Thr; replaces arginine 371 with threonine.
Molecular consequence: missense variant.
Genome position (GRCh38, 1-based): chr12:111,447,420, G>C. VCF-style: chr12-111447420-G-C. GRCh37 (hg19) VCF-style: chr12-111885224-G-C.
Other names: c.506G>C, p.Arg169Thr (NM_001291424.1); short protein forms R169T, R371T.
Identifiers: ClinVar variation 4864459 (VCV004864459.1).

ClinVar aggregate classification (germline): Uncertain significance (1 of 4 stars; one submission).

Conditions:
Inborn genetic diseases. Identifiers: MedGen C0950123, MeSH D030342.

Submission:

Ambry Genetics
Classification: Uncertain significance for Inborn genetic diseases. Last evaluated: 2026-05-31. Review status: criteria provided, single submitter. Criteria: Ambry Variant Classification Scheme 2023. Collection method: clinical testing. Allele origin: germline.
Comment: The p.R371T variant (also known as c.1112G>C), located in coding exon 5 of the SH2B3 gene, results from a G to C substitution at nucleotide position 1112. The arginine at codon 371 is replaced by threonine, an amino acid with similar properties. This amino acid position is conserved. In addition, this alteration is predicted to be deleterious by in silico analysis. Based on the available evidence, the clinical significance of this variant remains unclear.